The following is an entry in ClinVar:

NM_020911.2(PLXNA4):c.4279_4283del (p.Leu1427fs)

Gene: PLXNA4 (plexin A4; minus strand). Cytogenetic location: 7q32.3.
Variant type: Deletion.
Coding change: c.4279_4283del on transcript NM_020911.2 (MANE Select); coding-DNA positions 4279 to 4283, 5 bases deleted (CTCAG; older notation c.4279_4283delCTCAG).
Protein change: p.Leu1427fs; shifts the reading frame from leucine 1427.
Molecular consequence: frameshift variant.
Genome position (GRCh38, 1-based): chr7:132,168,307-132,168,311, CTGAG deleted on the plus strand (CTCAG on the coding strand, the reverse complement: PLXNA4 is on the minus strand); deleting any 5 consecutive bases within chr7:132,168,307-132,168,312 gives the same sequence; the c. name uses the placement nearest the transcript's 3' end. VCF-style (leftmost placement, unchanged base first): chr7-132168306-CCTGAG-C. GRCh37 (hg19) VCF-style: chr7-131853065-CCTGAG-C.
Other names: c.4279_4283del, p.Leu1427fs (NM_001393897.1); short protein forms L1427fs.
Identifiers: ClinVar variation 4997490 (VCV004997490.1).

ClinVar aggregate classification (germline): Uncertain significance (1 of 4 stars; one submission).

Conditions:
PLXNA4-related disorder. Also called: PLXNA4-related condition.

Submission:

PreventionGenetics, part of Exact Sciences
Classification: Uncertain significance for PLXNA4-related condition. Last evaluated: 2025-03-08. Review status: criteria provided, single submitter. Criteria: ACMG Guidelines, 2015. Collection method: clinical testing. Allele origin: germline.
Comment: The PLXNA4 c.4279_4283del5 variant is predicted to result in a frameshift and premature protein termination (p.Leu1427Glufs*3). To our knowledge, this variant has not been reported in the literature or in a large population database (gnomAD), indicating this variant is rare. At this time, the clinical significance of this variant is uncertain due to the absence of conclusive functional and genetic evidence.